The following is an entry in ClinVar:

ClinVar aggregate classification (germline): Uncertain significance. Review status: criteria provided, multiple submitters, no conflicts (2 of 4 stars). 2 submissions from 2 submitters: Uncertain significance (2). Last evaluated 2025-09-12.

Conditions:
Cardiovascular phenotype. Identifiers: MedGen CN230736.
Noonan syndrome 9 (NS9). Identifiers: Orphanet 648, MedGen C4225282, MONDO:0014691, OMIM 616559.

Allele frequency attached by ClinVar (database versions not stated): gnomAD exomes below 0.00001; TOPMed below 0.00001; ExAC 0.00001; gnomAD 0.00001.
gnomAD v4.1: 4 of 1,613,764 alleles (0.00025%); highest among the groups gnomAD compares: Non-Finnish European, 0.00034%; no homozygotes.

Submissions (2):

Labcorp Genetics (formerly Invitae), Labcorp
Classification: Uncertain significance for Noonan syndrome 9. Last evaluated: 2025-09-12. Review status: criteria provided, single submitter. Criteria: Invitae Variant Classification Sherloc (09022015). Collection method: clinical testing. Allele origin: germline.
Comment: This sequence change replaces isoleucine, which is neutral and non-polar, with threonine, which is neutral and polar, at codon 782 of the SOS2 protein (p.Ile782Thr). This variant is present in population databases (rs753725530, gnomAD 0.0009%). This variant has not been reported in the literature in individuals affected with SOS2-related conditions. ClinVar contains an entry for this variant (Variation ID: 2563215). Invitae Evidence Modeling of protein sequence and biophysical properties (such as structural, functional, and spatial information, amino acid conservation, physicochemical variation, residue mobility, and thermodynamic stability) has been performed for this missense variant. However, the output from this modeling did not meet the statistical confidence thresholds required to predict the impact of this variant on SOS2 protein function. In summary, the available evidence is currently insufficient to determine the role of this variant in disease. Therefore, it has been classified as a Variant of Uncertain Significance.

Ambry Genetics
Classification: Uncertain significance for Cardiovascular phenotype. Last evaluated: 2023-05-01. Review status: criteria provided, single submitter. Criteria: Ambry Variant Classification Scheme 2023. Collection method: clinical testing. Allele origin: germline.
Comment: The p.I782T variant (also known as c.2345T>C), located in coding exon 14 of the SOS2 gene, results from a T to C substitution at nucleotide position 2345. The isoleucine at codon 782 is replaced by threonine, an amino acid with similar properties. This amino acid position is conserved. In addition, this alteration is predicted to be deleterious by in silico analysis. Since supporting evidence is limited at this time, the clinical significance of this alteration remains unclear.

NM_006939.4(SOS2):c.2345T>C (p.Ile782Thr)

Gene: SOS2 (SOS Ras/Rho guanine nucleotide exchange factor 2; minus strand). Cytogenetic location: 14q21.3.
Variant type: single nucleotide variant.
Coding change: c.2345T>C on transcript NM_006939.4 (MANE Select); coding-DNA position 2345, T replaced by C.
Protein change: p.Ile782Thr; replaces isoleucine 782 with threonine.
Molecular consequence: missense variant.
Genome position (GRCh38, 1-based): chr14:50,150,047, A>G on the plus strand (T>C on the coding strand, the complement: SOS2 is on the minus strand). VCF-style: chr14-50150047-A-G. GRCh37 (hg19) VCF-style: chr14-50616765-A-G.
Other names: c.2246T>C, p.Ile749Thr (NM_001411020.1); short protein forms I749T, I782T.
Identifiers: ClinVar variation 2563215 (VCV002563215.5), dbSNP rs753725530, ClinGen allele CA7177064.
Genomic context (GRCh38, chr14:50,150,047, plus strand): 5'-ACATTAACATTAATTGTCTACCTGTAAAGATCAGACTCCAAAAGTGTCAGCTGACGTGCA[A>G]TTTCTATTGGATGAAGTGTCATGAGATCAAATGTTTCAAACTGTCCTGGTTTGCTGATAT-3'
Protein context (NP_008870.2, residues 772-792): FDLMTLHPIE[Ile782Thr]ARQLTLLESD